The following is an entry in ClinVar:

NM_002878.4(RAD51D):c.371T>C (p.Val124Ala)

Genes: RAD51D (RAD51 paralog D; minus strand), RAD51L3-RFFL (RAD51L3-RFFL readthrough; minus strand). Cytogenetic location: 17q12.
Variant type: single nucleotide variant.
Coding change: c.371T>C on transcript NM_002878.4 (MANE Select); coding-DNA position 371, T replaced by C.
Protein change: p.Val124Ala; replaces valine 124 with alanine.
Molecular consequence: missense variant. On other transcripts: non-coding transcript variant (1), intron variant (1).
Genome position (GRCh38, 1-based): chr17:35,107,097, A>G on the plus strand (T>C on the coding strand, the complement: RAD51D is on the minus strand). VCF-style: chr17-35107097-A-G. GRCh37 (hg19) VCF-style: chr17-33434116-A-G.
Other names: c.431T>C, p.Val144Ala (NM_001142571.2); c.145-616T>C (NM_133629.3); short protein forms V144A, V124A.
Identifiers: ClinVar variation 3942383 (VCV003942383.1).
Genomic context (GRCh38, chr17:35,107,097, plus strand): 5'-GAAGCTGTCAGCCCTCCATTGGAATCTACATATAGGACGTTTTGCTGCAGGCCATGGGCC[A>G]CATTTGCTGCCATACAGAGACATACCTGGGGGTGGGGGCATTGGATGAACTTGACACTTC-3'
Protein context (NP_002869.3, residues 114-134): TQVCLCMAAN[Val124Ala]AHGLQQNVLY

ClinVar aggregate classification (germline): Uncertain significance (1 of 4 stars; one submission).

Conditions:
Hereditary cancer-predisposing syndrome. Also called: Tumor predisposition; Hereditary neoplastic syndrome; Hereditary Cancer Syndrome; Neoplastic Syndromes, Hereditary. Identifiers: Orphanet 140162, MedGen C0027672, MeSH D009386, MONDO:0015356.

Submission:

Ambry Genetics
Classification: Uncertain significance for Hereditary cancer-predisposing syndrome. Last evaluated: 2025-04-04. Review status: criteria provided, single submitter. Criteria: Ambry Variant Classification Scheme 2023. Collection method: clinical testing. Allele origin: germline.
Comment: The p.V124A variant (also known as c.371T>C), located in coding exon 5 of the RAD51D gene, results from a T to C substitution at nucleotide position 371. The valine at codon 124 is replaced by alanine, an amino acid with similar properties. This amino acid position is conserved. In addition, this alteration is predicted to be deleterious by in silico analysis. Based on the available evidence, the clinical significance of this variant remains unclear.